The following is an entry in ClinVar:

ClinVar aggregate classification (germline): Uncertain significance. Review status: criteria provided, multiple submitters, no conflicts (2 of 4 stars). 3 submissions from 3 submitters: Uncertain significance (3). Last evaluated 2025-05-05.

Conditions:
PURA-related severe neonatal hypotonia-seizures-encephalopathy syndrome (NEDRIHF). Also called: NEURODEVELOPMENTAL DISORDER WITH NEONATAL RESPIRATORY INSUFFICIENCY, HYPOTONIA, AND FEEDING DIFFICULTIES; PURA-Related Neurodevelopmental Disorders. Identifiers: Orphanet 438213, Orphanet 438216, MedGen C4015357, MONDO:1060108, OMIM 616158, MONDO:0018580.

Submissions (3):

Labcorp Genetics (formerly Invitae), Labcorp
Classification: Uncertain significance for PURA-related severe neonatal hypotonia-seizures-encephalopathy syndrome. Last evaluated: 2025-05-05. Review status: criteria provided, single submitter. Criteria: Invitae Variant Classification Sherloc (09022015). Collection method: clinical testing. Allele origin: germline.
Comment: This variant, c.102_119del, results in the deletion of 6 amino acid(s) of the PURA protein (p.Gly37_Gly42del), but otherwise preserves the integrity of the reading frame. The frequency data for this variant in the population databases is considered unreliable, as metrics indicate poor data quality at this position in the gnomAD database. This variant has not been reported in the literature in individuals affected with PURA-related conditions. ClinVar contains an entry for this variant (Variation ID: 943420). Experimental studies and prediction algorithms are not available or were not evaluated, and the functional significance of this variant is currently unknown. In summary, the available evidence is currently insufficient to determine the role of this variant in disease. Therefore, it has been classified as a Variant of Uncertain Significance.

Women's Health and Genetics/Laboratory Corporation of America, LabCorp
Classification: Uncertain significance. Last evaluated: 2023-11-17. Review status: criteria provided, single submitter. Criteria: LabCorp Variant Classification Summary - May 2015. Collection method: clinical testing. Allele origin: germline.
Comment: Variant summary: PURA c.102_119del18 (p.Gly37_Gly42del) results in an in-frame deletion that is predicted to remove 6 glycine residues from a glycine-stretch (Gly29-Gly42) in the encoded protein. This variant was absent in 1116306 control chromosomes (gnomAD), however several in-frame deletion and duplication variants in this region are reported in controls. To our knowledge, no occurrence of c.102_119del18 in individuals affected with Mental Retardation, Autosomal Dominant 31 and no experimental evidence demonstrating its impact on protein function have been reported. One submitter has cited clinical-significance assessments for this variant to ClinVar after 2014 and has classified the variant as uncertain significance. Based on the evidence outlined above, the variant was classified as VUS-possibly benign.

CeGaT Center for Human Genetics Tuebingen
Classification: Uncertain significance. Last evaluated: 2023-05-01. Review status: criteria provided, single submitter. Criteria: CeGaT Center For Human Genetics Tuebingen Variant Classification Criteria Version 2. Collection method: clinical testing. Allele origin: germline. Affected: yes. Observed: 1 variant allele.

NM_005859.5(PURA):c.102_119del (p.Gly37_Gly42del)

Gene: PURA (purine rich element binding protein A; plus strand). Cytogenetic location: 5q31.3.
Variant type: Deletion.
Coding change: c.102_119del on transcript NM_005859.5 (MANE Select); coding-DNA positions 102 to 119, 18 bases deleted (TGGTGGCGGCGGGGGCGG).
Protein change: p.Gly37_Gly42del.
Molecular consequence: inframe deletion.
Genome position (GRCh38, 1-based): chr5:140,114,283-140,114,300, TGGTGGCGGCGGGGGCGG deleted; deleting any 18 consecutive bases within chr5:140,114,271-140,114,300 gives the same sequence; the c. name uses the placement nearest the transcript's 3' end. VCF-style (leftmost placement, unchanged base first): chr5-140114270-CCGGCGGGGGCGGTGGTGG-C. GRCh37 (hg19) VCF-style: chr5-139493855-CCGGCGGGGGCGGTGGTGG-C.
Other names: c.102_119del18 (NM_005859.5).
Identifiers: ClinVar variation 943420 (VCV000943420.35), dbSNP rs1184201512, ClinGen allele CA563504658.